The following is an entry in ClinVar:

ClinVar aggregate classification (germline): Likely benign (1 of 4 stars; one submission).

Conditions:
Purine-nucleoside phosphorylase deficiency. Also called: NUCLEOSIDE PHOSPHORYLASE DEFICIENCY; Immunodeficiency due to purine nucleoside phosphorylase deficiency. Identifiers: Orphanet 760, MedGen C0268125, MONDO:0013171, OMIM 613179.

Allele frequency attached by ClinVar (database versions not stated): 1000 Genomes Project 30x 0.00328; gnomAD 0.00247 and 0.00263; TOPMed 0.00302; 1000 Genomes Project 0.00339.

Submission:

Illumina Laboratory Services, Illumina
Classification: Likely benign for Purine-nucleoside phosphorylase deficiency. Last evaluated: 2018-01-13. Review status: criteria provided, single submitter. Criteria: ICSL Variant Classification Criteria 13 December 2019. Collection method: clinical testing. Allele origin: germline.
Comment: This variant was observed in the ICSL laboratory as part of a predisposition screen in an ostensibly healthy population. It had not been previously curated by ICSL or reported in the Human Gene Mutation Database (HGMD: prior to June 1st, 2018), and was therefore a candidate for classification through an automated scoring system. Utilizing variant allele frequency, disease prevalence and penetrance estimates, and inheritance mode, an automated score was calculated to assess if this variant is too frequent to cause the disease. Based on the score and internal cut-off values, a variant classified as likely benign is not then subjected to further curation. The score for this variant resulted in a classification of likely benign for this disease.

NM_000270.3(PNP):c.*944G>A

Gene: PNP (purine nucleoside phosphorylase; plus strand). Cytogenetic location: 14q11.2.
Variant type: single nucleotide variant.
Coding change: c.*944G>A on transcript NM_000270.3; 944 bases downstream of the stop codon, G replaced by A.
Genome position (GRCh38, 1-based): chr14:20,477,545, G>A. VCF-style: chr14-20477545-G-A. GRCh37 (hg19) VCF-style: chr14-20945704-G-A.
Identifiers: ClinVar variation 883614 (VCV000883614.6), dbSNP rs148019643, ClinGen allele CA257419132.
Genomic context (GRCh38, chr14:20,477,545, plus strand): 5'-CTACTCTTCTCTAACATCTGCAGCCACACTCTCCATTCACTCCATGCTGACAAGGCAGTG[G>A]CAAACACTTTTCTCTGCTGCCAGCCACTCCACTGTTGACTGGATTGCTGCCAGCCCCAGG-3'